The following is an entry in ClinVar:

NM_182961.4(SYNE1):c.8361G>A (p.Thr2787=)

Gene: SYNE1 (spectrin repeat containing nuclear envelope protein 1; minus strand). Cytogenetic location: 6q25.2.
Variant type: single nucleotide variant.
Coding change: c.8361G>A on transcript NM_182961.4 (MANE Select); coding-DNA position 8361, G replaced by A.
Protein change: p.Thr2787=; no amino-acid change (threonine 2787 retained).
Molecular consequence: synonymous variant.
Genome position (GRCh38, 1-based): chr6:152,387,198, C>T on the plus strand (G>A on the coding strand, the complement: SYNE1 is on the minus strand). VCF-style: chr6-152387198-C-T. GRCh37 (hg19) VCF-style: chr6-152708333-C-T.
Other names: c.8382G>A, p.Thr2794= (NM_033071.5).
Identifiers: ClinVar variation 2657025 (VCV002657025.25), dbSNP rs199929752, ClinGen allele CA4057565.
Genomic context (GRCh38, chr6:152,387,198, plus strand): 5'-CTCATCCTCTGTCTTTTCGTAGAGCTCCCTGGACTTCGCAATTAGACGGTGAAGGGCTCT[C>T]GTGTGATCTTCTGCCTCAGACAGGATGGACTGGAGGTGGTCAAGCAGGACGAACTTCTCT-3'
Protein context (NP_892006.3, residues 2777-2797): QSILSEAEDH[Thr2787=]RALHRLIAKS

ClinVar aggregate classification (germline): Likely benign. Review status: criteria provided, multiple submitters, no conflicts (2 of 4 stars). 2 submissions from 2 submitters: Likely benign (2). Last evaluated 2025-08-29.

Conditions:
Emery-Dreifuss muscular dystrophy 4, autosomal dominant (EDMD4). Also called: EMERY-DREIFUSS MUSCULAR DYSTROPHY 4 WITH VARIABLE FEATURES. Identifiers: Orphanet 261, MedGen C2751807, MONDO:0013071, OMIM 612998.
Autosomal recessive ataxia, Beauce type. Also called: Spinocerebellar ataxia, autosomal recessive 8; ATAXIA, RECESSIVE, OF BEAUCE; SYNE1-Related Autosomal Recessive Cerebellar Ataxia; SYNE1 Deficiency. Identifiers: Orphanet 88644, MedGen C1853116, MONDO:0012549, OMIM 610743.

Allele frequency attached by ClinVar (database versions not stated): gnomAD 0.00003; TOPMed 0.00003; gnomAD exomes 0.00005; ExAC 0.00011; 1000 Genomes Project 0.00020; 1000 Genomes Project 30x 0.00031.
gnomAD v4.1: 74 of 1,614,120 alleles (0.0046%); highest among the groups gnomAD compares: Non-Finnish European, 0.0054%; no homozygotes.

Submissions (2):

Labcorp Genetics (formerly Invitae), Labcorp
Classification: Likely benign for Emery-Dreifuss muscular dystrophy 4, autosomal dominant; Autosomal recessive ataxia, Beauce type. Last evaluated: 2025-08-29. Review status: criteria provided, single submitter. Criteria: Invitae Variant Classification Sherloc (09022015). Collection method: clinical testing. Allele origin: germline.

CeGaT Center for Human Genetics Tuebingen
Classification: Likely benign. Last evaluated: 2022-07-01. Review status: criteria provided, single submitter. Criteria: CeGaT Center For Human Genetics Tuebingen Variant Classification Criteria Version 2. Collection method: clinical testing. Allele origin: germline. Affected: yes. Observed: 1 variant allele.
Comment: SYNE1: BP4, BP7